The following is an entry in ClinVar:

ClinVar aggregate classification (germline): Conflicting classifications of pathogenicity. Review status: criteria provided, conflicting classifications (1 of 4 stars). 3 submissions from 3 submitters: Likely pathogenic (1); Uncertain significance (2). Last evaluated 2026-01-27.

Conditions:
MYH7-related disorder. Also called: MYH7-related condition; MYH7-related disease; MYH7-related disorders.
Hypertrophic cardiomyopathy. Also called: HYPERTROPHIC MYOCARDIOPATHY. Identifiers: Orphanet 217569, MedGen C0007194, MeSH D002312, MONDO:0005045, HP:0001639.

Allele frequency attached by ClinVar (database versions not stated): gnomAD exomes below 0.00001; gnomAD 0.00001; TOPMed 0.00002.
gnomAD v4.1: 5 of 1,614,062 alleles (0.00031%); highest among the groups gnomAD compares: East Asian, 0.0022%; no homozygotes.

Submissions (3):

Labcorp Genetics (formerly Invitae), Labcorp
Classification: Uncertain significance for Hypertrophic cardiomyopathy. Last evaluated: 2026-01-27. Review status: criteria provided, single submitter. Criteria: Invitae Variant Classification Sherloc (09022015). Collection method: clinical testing. Allele origin: germline.
Comment: This sequence change replaces arginine, which is basic and polar, with glutamine, which is neutral and polar, at codon 1676 of the MYH7 protein (p.Arg1676Gln). This variant is not present in population databases (gnomAD no frequency). This missense change has been observed in individual(s) with clinical features of autosomal dominant MYH7-related conditions (internal data). ClinVar contains an entry for this variant (Variation ID: 454384). Invitae Evidence Modeling of protein sequence and biophysical properties (such as structural, functional, and spatial information, amino acid conservation, physicochemical variation, residue mobility, and thermodynamic stability) indicates that this missense variant is expected to disrupt MYH7 protein function with a positive predictive value of 95%. In summary, the available evidence is currently insufficient to determine the role of this variant in disease. Therefore, it has been classified as a Variant of Uncertain Significance.

GeneDx
Classification: Uncertain significance. Last evaluated: 2024-10-01. Review status: criteria provided, single submitter. Criteria: GeneDx Variant Classification Process June 2021. Collection method: clinical testing. Allele origin: germline. Affected: yes.
Comment: Not observed at significant frequency in large population cohorts (gnomAD); In silico analysis supports that this missense variant has a deleterious effect on protein structure/function; Reported along with a second variant in the MYH7 gene in three siblings with dilated cardiomyopathy in the published literature; however, segregation information was not provided (PMID: 34159662); This variant is associated with the following publications: (PMID: 34159662)

Blueprint Genetics
Classification: Likely pathogenic for MYH7-related disorders. Last evaluated: 2024-06-18. Review status: criteria provided, single submitter. Criteria: ACMG Guidelines, 2015. Collection method: clinical testing. Allele origin: germline. Affected: yes. Observed: 5 variant alleles.

NM_000257.4(MYH7):c.5027G>A (p.Arg1676Gln)

Genes: MHRT (myosin heavy chain associated RNA transcript; plus strand), MYH7 (myosin heavy chain 7; minus strand), LOC126861897 (BRD4-independent group 4 enhancer GRCh37_chr14:23884455-23885654; plus strand). Cytogenetic location: 14q11.2.
Variant type: single nucleotide variant.
Coding change: c.5027G>A on transcript NM_000257.4 (MANE Select); coding-DNA position 5027, G replaced by A.
Protein change: p.Arg1676Gln; replaces arginine 1676 with glutamine.
Molecular consequence: missense variant. On other transcripts: non-coding transcript variant (1).
Genome position (GRCh38, 1-based): chr14:23,415,759, C>T on the plus strand (G>A on the coding strand, the complement: MYH7 is on the minus strand). VCF-style: chr14-23415759-C-T. GRCh37 (hg19) VCF-style: chr14-23884968-C-T.
Other names: c.5027G>A (LRG_384t1); short protein forms R1676Q.
Identifiers: ClinVar variation 454384 (VCV000454384.11), dbSNP rs1451176863, ClinGen allele CA389037108.